The following is an entry in ClinVar:

NM_000059.4(BRCA2):c.7739dup (p.Leu2581fs)

Gene: BRCA2 (BRCA2 DNA repair associated; plus strand). Cytogenetic location: 13q13.1.
Variant type: Duplication.
Coding change: c.7739dup on transcript NM_000059.4 (MANE Select); coding-DNA position 7739, one base duplicated (A; older notation c.7739dupA).
Protein change: p.Leu2581fs; shifts the reading frame from leucine 2581.
Molecular consequence: frameshift variant.
Genome position (GRCh38, 1-based): chr13:32,357,863, A duplicated. VCF-style (leftmost placement, unchanged base first): chr13-32357862-C-CA. GRCh37 (hg19) VCF-style: chr13-32931999-C-CA.
Other names: short protein forms L2581fs.
Identifiers: ClinVar variation 827231 (VCV000827231.11), dbSNP rs1593920939, ClinGen allele CA915946876.

ClinVar aggregate classification (germline): Pathogenic. Review status: criteria provided, multiple submitters, no conflicts (2 of 4 stars). 2 submissions from 2 submitters: Pathogenic (2). Last evaluated 2025-05-26.

Conditions:
Hereditary breast ovarian cancer syndrome. Also called: Hereditary breast and ovarian cancer syndrome; Hereditary breast and ovarian cancer; Hereditary breast and ovarian cancer syndrome (HBOC); Breast and ovarian cancer; Hereditary breast and/or ovarian cancer syndrome; BRCA1- and BRCA2-Associated Hereditary Breast and Ovarian Cancer. Identifiers: Orphanet 145, MedGen C0677776, MeSH D061325, MONDO:0003582. Disease mechanism: loss of function.
Hereditary cancer-predisposing syndrome. Also called: Neoplastic Syndromes, Hereditary; Tumor predisposition; Hereditary neoplastic syndrome; Hereditary Cancer Syndrome. Identifiers: Orphanet 140162, MedGen C0027672, MeSH D009386, MONDO:0015356.

Submissions (2):

Ambry Genetics
Classification: Pathogenic for Hereditary cancer-predisposing syndrome. Last evaluated: 2025-05-26. Review status: criteria provided, single submitter. Criteria: Ambry Variant Classification Scheme 2023. Collection method: clinical testing. Allele origin: germline.
Comment: The c.7739dupA pathogenic mutation, located in coding exon 15 of the BRCA2 gene, results from a duplication of A at nucleotide position 7739, causing a translational frameshift with a predicted alternate stop codon (p.L2581Vfs*3). This variant is considered to be rare based on population cohorts in the Genome Aggregation Database (gnomAD). This alteration is expected to result in loss of function by premature protein truncation or nonsense-mediated mRNA decay. As such, this alteration is interpreted as a disease-causing mutation.

Labcorp Genetics (formerly Invitae), Labcorp
Classification: Pathogenic for Hereditary breast ovarian cancer syndrome. Last evaluated: 2021-03-02. Review status: criteria provided, single submitter. Criteria: Invitae Variant Classification Sherloc (09022015). Collection method: clinical testing. Allele origin: germline.
Comment: For these reasons, this variant has been classified as Pathogenic. This variant has not been reported in the literature in individuals with BRCA2-related conditions. ClinVar contains an entry for this variant (Variation ID: 827231). This variant is not present in population databases (ExAC no frequency). This sequence change creates a premature translational stop signal (p.Leu2581Valfs*3) in the BRCA2 gene. It is expected to result in an absent or disrupted protein product. Loss-of-function variants in BRCA2 are known to be pathogenic (PMID: 20104584).

Literature cited by the submitters: PubMed 20104584 (cited by Labcorp Genetics (formerly Invitae), Labcorp).